The following is an entry in ClinVar:

NM_000077.5(CDKN2A):c.385T>G (p.Tyr129Asp)

Gene: CDKN2A (cyclin dependent kinase inhibitor 2A; minus strand). Cytogenetic location: 9p21.3.
Variant type: single nucleotide variant.
Coding change: c.385T>G on transcript NM_000077.5; coding-DNA position 385, T replaced by G.
Protein change: p.Tyr129Asp; replaces tyrosine 129 with aspartic acid.
Molecular consequence: missense variant (on NM_000077.6). On other transcripts: 3 prime UTR variant (2).
Genome position (GRCh38, 1-based): chr9:21,970,974, A>C on the plus strand (T>G on the coding strand, the complement: CDKN2A is on the minus strand). VCF-style: chr9-21970974-A-C. GRCh37 (hg19) VCF-style: chr9-21970973-A-C.
Other names: c.385T>G, p.Tyr129Asp (NM_000077.6, NM_001195132.2); c.232T>G, p.Tyr78Asp (NM_001363763.2); c.*29T>G (NM_058195.4); c.*308T>G (NM_058197.5); short protein forms Y129D, Y78D.
Identifiers: ClinVar variation 480813 (VCV000480813.5), dbSNP rs1554653923, ClinGen allele CA373085941.

ClinVar aggregate classification (germline): Uncertain significance (1 of 4 stars; one submission).

Conditions:
Hereditary cancer-predisposing syndrome. Also called: Tumor predisposition; Hereditary Cancer Syndrome; Neoplastic Syndromes, Hereditary; Hereditary neoplastic syndrome. Identifiers: Orphanet 140162, MedGen C0027672, MeSH D009386, MONDO:0015356.

Submission:

Ambry Genetics
Classification: Uncertain significance for Hereditary cancer-predisposing syndrome. Last evaluated: 2017-06-04. Review status: criteria provided, single submitter. Criteria: Ambry Variant Classification Scheme 2023. Collection method: clinical testing. Allele origin: germline.
Comment: The p.Y129D variant (also known as c.385T>G), located in coding exon 2 of the CDKN2A gene, results from a T to G substitution at nucleotide position 385. The tyrosine at codon 129 is replaced by aspartic acid, an amino acid with highly dissimilar properties. This amino acid position is highly conserved through mammals but not in all available vertebrate species. In addition, this alteration is predicted to be deleterious by in silico analysis. Since supporting evidence is limited at this time, the clinical significance of this alteration remains unclear.

Literature cited by the submitters: PubMed 17495976.